The following is an entry in ClinVar:

ClinVar aggregate classification (germline): Uncertain significance. Review status: criteria provided, multiple submitters, no conflicts (2 of 4 stars). 2 submissions from 2 submitters: Uncertain significance (2). Last evaluated 2019-12-26.

Conditions:
Dilated cardiomyopathy 1M (CMD1M). Identifiers: Orphanet 154, MedGen C1843808, MONDO:0011840, OMIM 607482.
Hypertrophic cardiomyopathy 12. Identifiers: MedGen C2677491, MONDO:0012804, OMIM 612124.

Allele frequency attached by ClinVar (database versions not stated): ExAC 0.00001; gnomAD exomes 0.00001.

Submissions (2):

Blueprint Genetics
Classification: Uncertain significance. Last evaluated: 2019-12-26. Review status: criteria provided, single submitter. Criteria: ACMG Guidelines, 2015. Collection method: clinical testing. Allele origin: germline.

Labcorp Genetics (formerly Invitae), Labcorp
Classification: Uncertain significance for Hypertrophic cardiomyopathy 12; Dilated cardiomyopathy 1M. Last evaluated: 2019-06-29. Review status: criteria provided, single submitter. Criteria: Invitae Variant Classification Sherloc (09022015). Collection method: clinical testing. Allele origin: germline.
Comment: In summary, the available evidence is currently insufficient to determine the role of this variant in disease. Therefore, it has been classified as a Variant of Uncertain Significance. Algorithms developed to predict the effect of missense changes on protein structure and function are either unavailable or do not agree on the potential impact of this missense change (SIFT: "Deleterious"; PolyPhen-2: "Probably Damaging"; Align-GVGD: "Class C0"). This variant has not been reported in the literature in individuals with CSRP3-related conditions. This variant is present in population databases (rs771861706, ExAC 0.001%). This sequence change replaces glycine with cysteine at codon 137 of the CSRP3 protein (p.Gly137Cys). The glycine residue is highly conserved and there is a large physicochemical difference between glycine and cysteine.

NM_003476.5(CSRP3):c.409G>T (p.Gly137Cys)

Gene: CSRP3 (cysteine and glycine rich protein 3; minus strand). Cytogenetic location: 11p15.1.
Variant type: single nucleotide variant.
Coding change: c.409G>T on transcript NM_003476.5 (MANE Select); coding-DNA position 409, G replaced by T.
Protein change: p.Gly137Cys; replaces glycine 137 with cysteine.
Molecular consequence: missense variant. On other transcripts: synonymous variant (1).
Genome position (GRCh38, 1-based): chr11:19,186,221, C>A on the plus strand (G>T on the coding strand, the complement: CSRP3 is on the minus strand). VCF-style: chr11-19186221-C-A. GRCh37 (hg19) VCF-style: chr11-19207768-C-A.
Other names: c.240G>T, p.Val80= (NM_001369404.1); short protein forms G137C.
Identifiers: ClinVar variation 950593 (VCV000950593.10), dbSNP rs771861706, ClinGen allele CA5916559.